The following is an entry in ClinVar:

NM_004984.4(KIF5A):c.2468T>A (p.Ile823Asn)

Gene: KIF5A (kinesin family member 5A; plus strand). Cytogenetic location: 12q13.3.
Variant type: single nucleotide variant.
Coding change: c.2468T>A on transcript NM_004984.4 (MANE Select); coding-DNA position 2468, T replaced by A.
Protein change: p.Ile823Asn; replaces isoleucine 823 with asparagine.
Molecular consequence: missense variant.
Genome position (GRCh38, 1-based): chr12:57,578,272, T>A. VCF-style: chr12-57578272-T-A. GRCh37 (hg19) VCF-style: chr12-57972055-T-A.
Other names: c.2201T>A, p.Ile734Asn (NM_001354705.2); short protein forms I734N, I823N.
Identifiers: ClinVar variation 3361104 (VCV003361104.1).

ClinVar aggregate classification (germline): Uncertain significance (1 of 4 stars; one submission).

Submission:

GeneDx
Classification: Uncertain significance. Last evaluated: 2023-07-23. Review status: criteria provided, single submitter. Criteria: GeneDx Variant Classification Process June 2021. Collection method: clinical testing. Allele origin: germline. Affected: yes.
Comment: Not observed at significant frequency in large population cohorts (gnomAD); In silico analysis supports that this missense variant does not alter protein structure/function; Has not been previously published as pathogenic or benign to our knowledge